The following is an entry in ClinVar:

ClinVar aggregate classification (germline): Uncertain significance. Review status: criteria provided, multiple submitters, no conflicts (2 of 4 stars). 2 submissions from 2 submitters: Uncertain significance (2). Last evaluated 2025-11-13.

Conditions:
Inborn genetic diseases. Identifiers: MedGen C0950123, MeSH D030342.

Allele frequency attached by ClinVar (database versions not stated): TOPMed 0.00005; gnomAD 0.00011; 1000 Genomes Project 30x 0.00016; 1000 Genomes Project 0.00020.

Submissions (2):

Ambry Genetics
Classification: Uncertain significance for Inborn genetic diseases. Last evaluated: 2025-11-13. Review status: criteria provided, single submitter. Criteria: Ambry Variant Classification Scheme 2023. Collection method: clinical testing. Allele origin: germline.

Labcorp Genetics (formerly Invitae), Labcorp
Classification: Uncertain significance. Last evaluated: 2024-09-18. Review status: criteria provided, single submitter. Criteria: Invitae Variant Classification Sherloc (09022015). Collection method: clinical testing. Allele origin: germline.
Comment: This sequence change replaces arginine, which is basic and polar, with histidine, which is basic and polar, at codon 211 of the IHH protein (p.Arg211His). This variant is present in population databases (rs200898513, gnomAD 0.1%). This variant has not been reported in the literature in individuals affected with IHH-related conditions. Invitae Evidence Modeling of protein sequence and biophysical properties (such as structural, functional, and spatial information, amino acid conservation, physicochemical variation, residue mobility, and thermodynamic stability) indicates that this missense variant is not expected to disrupt IHH protein function with a negative predictive value of 80%. In summary, the available evidence is currently insufficient to determine the role of this variant in disease. Therefore, it has been classified as a Variant of Uncertain Significance.

NM_002181.4(IHH):c.632G>A (p.Arg211His)

Gene: IHH (Indian hedgehog signaling molecule; minus strand). Cytogenetic location: 2q35.
Variant type: single nucleotide variant.
Coding change: c.632G>A on transcript NM_002181.4 (MANE Select); coding-DNA position 632, G replaced by A.
Protein change: p.Arg211His; replaces arginine 211 with histidine.
Molecular consequence: missense variant.
Genome position (GRCh38, 1-based): chr2:219,055,811, C>T on the plus strand (G>A on the coding strand, the complement: IHH is on the minus strand). VCF-style: chr2-219055811-C-T. GRCh37 (hg19) VCF-style: chr2-219920533-C-T.
Other names: c.632G>A (NM_002181.3); short protein forms R211H.
Identifiers: ClinVar variation 2711303 (VCV002711303.4), dbSNP rs200898513, ClinGen allele CA2116649.